The following is an entry in ClinVar:

ClinVar aggregate classification (germline): Likely pathogenic (1 of 4 stars; one submission).

Conditions:
Alstrom syndrome (ALMS). Identifiers: Orphanet 64, MedGen C0268425, MONDO:0008763, OMIM 203800.

Submission:

Natera, Inc.
Classification: Likely pathogenic for Alstrom syndrome. Last evaluated: 2026-01-18. Review status: criteria provided, single submitter. Criteria: Natera Variant Classification Schema (03/2026). Collection method: clinical testing. Allele origin: germline.
Comment: The c.11041A>T variant in ALMS1 is a nonsense variant predicted to introduce a stop codon at amino acid 3681. This variant is expected to result in nonsense mediated decay, truncation, or a dysfunctional protein product. This variant is rare in the general population with a frequency below the threshold expected for the associated phenotype(s). Given the available evidence, this variant is classified as Likely Pathogenic.

NM_001378454.1(ALMS1):c.11038A>T (p.Lys3680Ter)

Gene: ALMS1 (ALMS1 centrosome and basal body associated protein; plus strand). Cytogenetic location: 2p13.1.
Variant type: single nucleotide variant.
Coding change: c.11038A>T on transcript NM_001378454.1 (MANE Select); coding-DNA position 11038, A replaced by T.
Protein change: p.Lys3680Ter; replaces lysine 3680 with a stop codon.
Molecular consequence: nonsense.
Genome position (GRCh38, 1-based): chr2:73,572,915, A>T. VCF-style: chr2-73572915-A-T. GRCh37 (hg19) VCF-style: chr2-73800042-A-T.
Other names: c.11041A>T, p.Lys3681Ter (NM_015120.4); short protein forms K3680*, K3681*.
Identifiers: ClinVar variation 4815757 (VCV004815757.1).
Genomic context (GRCh38, chr2:73,572,915, plus strand): 5'-GTGAAGGAATGGAGTGGTAGACAACAGCAGAGAAATAAGCTTCAGAAAAAGAAGCGGTTT[A>T]AAAGCCTAGAGAAAAGCCATAAAAATACAGGCGAGCTTAAAAAAAGCAAGGTGCTTTCTC-3'